The following is an entry in ClinVar:

NM_000092.5(COL4A4):c.2492G>A (p.Gly831Asp)

Gene: COL4A4 (collagen type IV alpha 4 chain; minus strand). Cytogenetic location: 2q36.3.
Variant type: single nucleotide variant.
Coding change: c.2492G>A on transcript NM_000092.5 (MANE Select); coding-DNA position 2492, G replaced by A.
Protein change: p.Gly831Asp; replaces glycine 831 with aspartic acid.
Molecular consequence: missense variant.
Genome position (GRCh38, 1-based): chr2:227,057,492, C>T on the plus strand (G>A on the coding strand, the complement: COL4A4 is on the minus strand). VCF-style: chr2-227057492-C-T. GRCh37 (hg19) VCF-style: chr2-227922208-C-T.
Other names: short protein forms G831D.
Identifiers: ClinVar variation 4081268 (VCV004081268.2).

ClinVar aggregate classification (germline): Conflicting classifications of pathogenicity. Review status: criteria provided, conflicting classifications (1 of 4 stars). 2 submissions from 2 submitters: Likely pathogenic (1); Uncertain significance (1). Last evaluated 2025-12-16.

Conditions:
Autosomal recessive Alport syndrome (ATS2). Also called: COL4A4 Alport Syndrome and Thin Basement Membrane Nephropathy; ALPORT SYNDROME 2, AUTOSOMAL RECESSIVE; Alport syndrome type 2; COL4A3-Related Nephropathy. Identifiers: Orphanet 63, Orphanet 88919, MedGen C4746745, MONDO:0008762, OMIM 203780.

Submissions (2):

3billion
Classification: Uncertain significance for Autosomal recessive Alport syndrome. Last evaluated: 2025-12-16. Review status: criteria provided, single submitter. Criteria: ACMG Guidelines, 2015. Collection method: clinical testing. Allele origin: germline. Affected: yes.
Comment: The variant is not observed in the gnomAD v4.1.0 dataset. Predicted Consequence/Location: The variant is located in a mutational hot spot and/or well-established functional domain in which established pathogenic variants have been reported (PMID: 30311386). In silico tool predictions suggest damaging effect of the variant on gene or gene product [REVEL: 0.73 (>=0.6, sensitivity 0.68 and specificity 0.92); 3Cnet: 0.83 (> 0.75, sensitivity 0.96 and precision 0.92)]. The same nucleotide change resulting in the same amino acid change has been previously reported to be associated with COL4A4-related disorder (ClinVar ID: VCV004081268). However, the evidence of pathogenicity is insufficient at this time. Therefore, this variant is classified as VUS according to the recommendation of ACMG/AMP guideline.

Revvity Omics, Revvity
Classification: Likely pathogenic. Last evaluated: 2024-12-24. Review status: criteria provided, single submitter. Criteria: ACMG Guidelines, 2015. Collection method: clinical testing. Allele origin: germline.